The following is an entry in ClinVar:

NM_002755.4(MAP2K1):c.1177_1179del (p.Val393del)

Genes: MAP2K1 (mitogen-activated protein kinase kinase 1; plus strand), SNAPC5 (small nuclear RNA activating complex polypeptide 5; minus strand). Cytogenetic location: 15q22.31.
Variant type: Deletion.
Coding change: c.1177_1179del on transcript NM_002755.4 (MANE Select); coding-DNA positions 1177 to 1179, 3 bases deleted (GTC; older notation c.1177_1179delGTC).
Protein change: p.Val393del; deletes valine 393.
Molecular consequence: inframe deletion. On other transcripts: 3 prime UTR variant (1), non-coding transcript variant (1).
Genome position (GRCh38, 1-based): chr15:66,490,610-66,490,612, GTC deleted; deleting any 3 consecutive bases within chr15:66,490,609-66,490,612 gives the same sequence; the c. name uses the placement nearest the transcript's 3' end. VCF-style (leftmost placement, unchanged base first): chr15-66490608-GCGT-G. GRCh37 (hg19) VCF-style: chr15-66782946-GCGT-G.
Other names: c.*128_*130del (NM_006049.4); c.1033_1035del, p.Val345del (NM_001411065.1); short protein forms V345del, V393del.
Identifiers: ClinVar variation 4735035 (VCV004735035.1).

ClinVar aggregate classification (germline): Uncertain significance (1 of 4 stars; one submission).

Conditions:
RASopathy. Also called: rasopathies; Noonan spectrum disorder. Identifiers: Orphanet 536391, MedGen C5555857, MONDO:0021060.

Submission:

Labcorp Genetics (formerly Invitae), Labcorp
Classification: Uncertain significance for RASopathy. Last evaluated: 2026-01-10. Review status: criteria provided, single submitter. Criteria: Invitae Variant Classification Sherloc (09022015). Collection method: clinical testing. Allele origin: germline.
Comment: This variant, c.1177_1179del, results in the deletion of 1 amino acid(s) of the MAP2K1 protein (p.Val393del), but otherwise preserves the integrity of the reading frame. This variant is not present in population databases (gnomAD no frequency). This variant has not been reported in the literature in individuals affected with MAP2K1-related conditions. Experimental studies and prediction algorithms are not available or were not evaluated, and the functional significance of this variant is currently unknown. In summary, the available evidence is currently insufficient to determine the role of this variant in disease. Therefore, it has been classified as a Variant of Uncertain Significance.